The following is an entry in ClinVar:

ClinVar aggregate classification (germline): Likely pathogenic (1 of 4 stars; one submission).

Conditions:
Mucolipidosis type IV (ML4). Also called: ML IV. Identifiers: Orphanet 578, MedGen C0238286, MONDO:0009653, OMIM 252650.

Submission:

Myriad Genetics, Inc.
Classification: Likely pathogenic for Mucolipidosis type IV. Last evaluated: 2021-12-02. Review status: criteria provided, single submitter. Criteria: Myriad Women's Health Autosomal Recessive and X-Linked Classification Criteria (2021). Collection method: clinical testing. Allele origin: unknown.
Comment: NM_020533.2(MCOLN1):c.1230del1ins5(Y411Qfs*53) is expected to be pathogenic in the context of mucolipidosis IV. This variant is predicted to lead to an abnormal or absent protein product due to the creation of a premature termination codon in MCOLN1, a gene where loss-of-function variants are known to be pathogenic. Please note: this variant was assessed in the context of healthy population screening.

NM_020533.3(MCOLN1):c.1230delinsTCAGG (p.Tyr411fs)

Gene: MCOLN1 (mucolipin TRP cation channel 1; plus strand). Cytogenetic location: 19p13.2.
Variant type: Indel.
Coding change: c.1230delinsTCAGG on transcript NM_020533.3 (MANE Select); coding-DNA position 1230, C replaced by TCAGG.
Protein change: p.Tyr411fs; shifts the reading frame from tyrosine 411.
Molecular consequence: frameshift variant.
Genome position (GRCh38, 1-based): chr19:7,529,196, C replaced by TCAGG. VCF-style: chr19-7529196-C-TCAGG. GRCh37 (hg19) VCF-style: chr19-7594082-C-TCAGG.
Other names: short protein forms Y411fs.
Identifiers: ClinVar variation 1725347 (VCV001725347.2), dbSNP rs2512472704, ClinGen allele CA2580097138.
Genomic context (GRCh38, chr19:7,529,196, plus strand): 5'-GGGCACCTCGACGCTGCTGGTGTGGGTGGGCGTGATCCGCTACCTGACCTTCTTCCACAA[C>TCAGG]TACAATGTGAGTTTTGCACATGCAGCTGGGCCTTCCACATGGTTACTCCACACCCTCCAA-3'